The following is an entry in ClinVar:

ClinVar aggregate classification (germline): Uncertain significance (1 of 4 stars; one submission).

Allele frequency attached by ClinVar (database versions not stated): gnomAD exomes below 0.00001; TOPMed below 0.00001; ExAC 0.00003.

Submission:

Labcorp Genetics (formerly Invitae), Labcorp
Classification: Uncertain significance. Last evaluated: 2022-07-21. Review status: criteria provided, single submitter. Criteria: Invitae Variant Classification Sherloc (09022015). Collection method: clinical testing. Allele origin: germline.
Comment: This sequence change affects codon 327 of the EIF2AK3 mRNA. It is a 'silent' change, meaning that it does not change the encoded amino acid sequence of the EIF2AK3 protein. This variant is present in population databases (rs766480275, gnomAD 0.004%). This variant has not been reported in the literature in individuals affected with EIF2AK3-related conditions. Algorithms developed to predict the effect of sequence changes on RNA splicing suggest that this variant may disrupt the consensus splice site. In summary, the available evidence is currently insufficient to determine the role of this variant in disease. Therefore, it has been classified as a Variant of Uncertain Significance.

NM_004836.7(EIF2AK3):c.981A>G (p.Gly327=)

Gene: EIF2AK3 (eukaryotic translation initiation factor 2 alpha kinase 3; minus strand). Cytogenetic location: 2p11.2.
Variant type: single nucleotide variant.
Coding change: c.981A>G on transcript NM_004836.7 (MANE Select); coding-DNA position 981, A replaced by G.
Protein change: p.Gly327=; no amino-acid change (glycine 327 retained).
Molecular consequence: synonymous variant.
Genome position (GRCh38, 1-based): chr2:88,590,839, T>C on the plus strand (A>G on the coding strand, the complement: EIF2AK3 is on the minus strand). VCF-style: chr2-88590839-T-C. GRCh37 (hg19) VCF-style: chr2-88890357-T-C.
Other names: c.528A>G, p.Gly176= (NM_001313915.2).
Identifiers: ClinVar variation 1938965 (VCV001938965.2), dbSNP rs766480275, ClinGen allele CA1754802.